The following is an entry in ClinVar:

ClinVar aggregate classification (germline): Uncertain significance. Review status: criteria provided, multiple submitters, no conflicts (2 of 4 stars). 3 submissions from 3 submitters: Uncertain significance (3). Last evaluated 2026-01-24.

Conditions:
Cardiovascular phenotype. Identifiers: MedGen CN230736.
Progressive familial heart block type IB (PFHB1B). Identifiers: Orphanet 871, MedGen C1970298, MONDO:0011474, OMIM 604559.

Allele frequency attached by ClinVar (database versions not stated): ExAC 0.00002; gnomAD exomes 0.00002.
gnomAD v4.1: 11 of 1,613,982 alleles (0.00068%); highest among the groups gnomAD compares: South Asian, 0.012%; no homozygotes.

Submissions (3):

Ambry Genetics
Classification: Uncertain significance for Cardiovascular phenotype. Last evaluated: 2026-01-24. Review status: criteria provided, single submitter. Criteria: Ambry Variant Classification Scheme 2023. Collection method: clinical testing. Allele origin: germline.
Comment: The p.F23L variant (also known as c.69C>G), located in coding exon 2 of the TRPM4 gene, results from a C to G substitution at nucleotide position 69. The phenylalanine at codon 23 is replaced by leucine, an amino acid with highly similar properties. This amino acid position is conserved. In addition, the in silico prediction for this alteration is inconclusive. Based on the available evidence, the clinical significance of this variant remains unclear.

GeneDx
Classification: Uncertain significance. Last evaluated: 2025-08-15. Review status: criteria provided, single submitter. Criteria: GeneDx Variant Classification Process June 2021. Collection method: clinical testing. Allele origin: germline. Affected: yes.
Comment: Not observed at significant frequency in large population cohorts (gnomAD); In silico analysis supports that this missense variant has a deleterious effect on protein structure/function; Has not been previously published as pathogenic or benign to our knowledge

Labcorp Genetics (formerly Invitae), Labcorp
Classification: Uncertain significance for Progressive familial heart block type IB. Last evaluated: 2022-11-14. Review status: criteria provided, single submitter. Criteria: Invitae Variant Classification Sherloc (09022015). Collection method: clinical testing. Allele origin: germline.
Comment: In summary, the available evidence is currently insufficient to determine the role of this variant in disease. Therefore, it has been classified as a Variant of Uncertain Significance. Algorithms developed to predict the effect of missense changes on protein structure and function are either unavailable or do not agree on the potential impact of this missense change (SIFT: "Deleterious"; PolyPhen-2: "Probably Damaging"; Align-GVGD: "Class C0"). ClinVar contains an entry for this variant (Variation ID: 1448144). This variant has not been reported in the literature in individuals affected with TRPM4-related conditions. This variant is present in population databases (rs760887443, gnomAD 0.01%). This sequence change replaces phenylalanine, which is neutral and non-polar, with leucine, which is neutral and non-polar, at codon 23 of the TRPM4 protein (p.Phe23Leu).

NM_017636.4(TRPM4):c.69C>G (p.Phe23Leu)

Gene: TRPM4 (transient receptor potential cation channel subfamily M member 4; plus strand). Cytogenetic location: 19q13.33.
Variant type: single nucleotide variant.
Coding change: c.69C>G on transcript NM_017636.4 (MANE Select); coding-DNA position 69, C replaced by G.
Protein change: p.Phe23Leu; replaces phenylalanine 23 with leucine.
Molecular consequence: missense variant. On other transcripts: 5 prime UTR variant (3).
Genome position (GRCh38, 1-based): chr19:49,158,236, C>G. VCF-style: chr19-49158236-C-G. GRCh37 (hg19) VCF-style: chr19-49661493-C-G.
Other names: c.69C>G, p.Phe23Leu (NM_001195227.2, NM_001321281.2); c.-1304C>G (NM_001321282.2); c.-98C>G (NM_001321283.2); c.-261C>G (NM_001321285.2); c.69C>G (NM_017636.3); short protein forms F23L.
Identifiers: ClinVar variation 1448144 (VCV001448144.10), dbSNP rs760887443, ClinGen allele CA9568655.